The following is an entry in ClinVar:

ClinVar aggregate classification (germline): Uncertain significance. Review status: criteria provided, multiple submitters, no conflicts (2 of 4 stars). 2 submissions from 2 submitters: Uncertain significance (2). Last evaluated 2024-12-08.

Conditions:
AMER1-related disorder. Also called: AMER1-related condition.

Allele frequency attached by ClinVar (database versions not stated): gnomAD exomes below 0.00001; TOPMed below 0.00001.
gnomAD v4.1: 3 of 1,206,118 alleles (0.00025%); highest among the groups gnomAD compares: Admixed American, 0.0022%; no homozygotes.

Submissions (2):

PreventionGenetics, part of Exact Sciences
Classification: Uncertain significance for AMER1-related condition. Last evaluated: 2024-12-08. Review status: criteria provided, single submitter. Criteria: ACMG Guidelines, 2015. Collection method: clinical testing. Allele origin: germline.
Comment: The AMER1 c.2534A>G variant is predicted to result in the amino acid substitution p.Tyr845Cys. To our knowledge, this variant has not been reported in the literature or in a large population database (gnomAD), indicating this variant is rare. At this time, the clinical significance of this variant is uncertain due to the absence of conclusive functional and genetic evidence.

Labcorp Genetics (formerly Invitae), Labcorp
Classification: Uncertain significance. Last evaluated: 2023-10-22. Review status: criteria provided, single submitter. Criteria: Invitae Variant Classification Sherloc (09022015). Collection method: clinical testing. Allele origin: germline.
Comment: This sequence change replaces tyrosine, which is neutral and polar, with cysteine, which is neutral and slightly polar, at codon 845 of the AMER1 protein (p.Tyr845Cys). This variant is not present in population databases (gnomAD no frequency). This variant has not been reported in the literature in individuals affected with AMER1-related conditions. ClinVar contains an entry for this variant (Variation ID: 1983881). Algorithms developed to predict the effect of missense changes on protein structure and function output the following: SIFT: "Not Available"; PolyPhen-2: "Benign"; Align-GVGD: "Not Available". The cysteine amino acid residue is found in multiple mammalian species, which suggests that this missense change does not adversely affect protein function. In summary, the available evidence is currently insufficient to determine the role of this variant in disease. Therefore, it has been classified as a Variant of Uncertain Significance.

NM_152424.4(AMER1):c.2534A>G (p.Tyr845Cys)

Gene: AMER1 (APC membrane recruitment protein 1; minus strand). Cytogenetic location: Xq11.2.
Variant type: single nucleotide variant.
Coding change: c.2534A>G on transcript NM_152424.4 (MANE Select); coding-DNA position 2534, A replaced by G.
Protein change: p.Tyr845Cys; replaces tyrosine 845 with cysteine.
Molecular consequence: missense variant.
Genome position (GRCh38, 1-based): chrX:64,190,753, T>C on the plus strand (A>G on the coding strand, the complement: AMER1 is on the minus strand). VCF-style: chrX-64190753-T-C. GRCh37 (hg19) VCF-style: chrX-63410633-T-C.
Other names: c.2534A>G (NM_152424.3); short protein forms Y845C.
Identifiers: ClinVar variation 1983881 (VCV001983881.5), dbSNP rs1930228334, ClinGen allele CA413302880.